The following is an entry in ClinVar:

NM_001384317.1(ZHX3):c.1467A>T (p.Gln489His)

Gene: ZHX3 (zinc fingers and homeoboxes 3; minus strand). Cytogenetic location: 20q12.
Variant type: single nucleotide variant.
Coding change: c.1467A>T on transcript NM_001384317.1 (MANE Select); coding-DNA position 1467, A replaced by T.
Protein change: p.Gln489His; replaces glutamine 489 with histidine.
Molecular consequence: missense variant.
Genome position (GRCh38, 1-based): chr20:41,203,450, T>A on the plus strand (A>T on the coding strand, the complement: ZHX3 is on the minus strand). VCF-style: chr20-41203450-T-A. GRCh37 (hg19) VCF-style: chr20-39832090-T-A.
Other names: c.1467A>T, p.Gln489His (NM_001384318.1, NM_001384319.1, NM_001384320.1 and 8 more transcripts); short protein forms Q489H.
Identifiers: ClinVar variation 3726871 (VCV003726871.2).
Genomic context (GRCh38, chr20:41,203,450, plus strand): 5'-CAGAGCTGACAGCTGTTCATGAGATTTCTTATTTTTGTAGATGCTAGCATCAAGGAAGGC[T>A]TGGGAGGTTATGCTGGGGCAGGCCGTGAGGAGCGACTGGGCCGCATTGACCACCTTCACA-3'
Protein context (NP_001371246.1, residues 479-499): LLTACPSITS[Gln489His]AFLDASIYKN

ClinVar aggregate classification (germline): Uncertain significance (1 of 4 stars; one submission).

Submission:

Labcorp Genetics (formerly Invitae), Labcorp
Classification: Uncertain significance. Last evaluated: 2024-12-08. Review status: criteria provided, single submitter. Criteria: Invitae Variant Classification Sherloc (09022015). Collection method: clinical testing. Allele origin: germline.
Comment: This sequence change replaces glutamine, which is neutral and polar, with histidine, which is basic and polar, at codon 489 of the ZHX3 protein (p.Gln489His). This variant is not present in population databases (gnomAD no frequency). This variant has not been reported in the literature in individuals affected with ZHX3-related conditions. An algorithm developed to predict the effect of missense changes on protein structure and function (PolyPhen-2) suggests that this variant is likely to be disruptive. In summary, the available evidence is currently insufficient to determine the role of this variant in disease. Therefore, it has been classified as a Variant of Uncertain Significance.